The following is an entry in ClinVar:

NM_001003841.3(SLC6A19):c.1173+2T>G

Gene: SLC6A19 (solute carrier family 6 member 19; plus strand). Cytogenetic location: 5p15.33.
Variant type: single nucleotide variant.
Coding change: c.1173+2T>G on transcript NM_001003841.3 (MANE Select); the canonical splice donor site of the intron after coding-DNA position 1173, T replaced by G.
Molecular consequence: splice donor variant.
Genome position (GRCh38, 1-based): chr5:1,216,947, T>G. VCF-style: chr5-1216947-T-G. GRCh37 (hg19) VCF-style: chr5-1217062-T-G.
Other names: IVS8, T-G, +2.
Identifiers: ClinVar variation 449553 (VCV000449553.26), dbSNP rs142979576, ClinGen allele CA3183058.

ClinVar aggregate classification (germline): Pathogenic. Review status: criteria provided, multiple submitters, no conflicts (2 of 4 stars). 12 submissions from 12 submitters: Pathogenic (8). 4 of the submissions do not count toward it. Last evaluated 2026-02-05.

Conditions:
SLC6A19-related disorder. Also called: SLC6A19-related condition.
Neutral 1 amino acid transport defect (HND). Also called: HARTNUP DISORDER; Hartnup disease. Identifiers: Orphanet 2116, MedGen C0018609, MONDO:0009324, OMIM 234500.

Allele frequency attached by ClinVar (database versions not stated): TOPMed 0.00014; ESP Exome Variant Server 0.00023.
gnomAD v4.1: 431 of 1,612,406 alleles (0.027%); highest among the groups gnomAD compares: Non-Finnish European, 0.03%; no homozygotes.

Submissions (12):

PreventionGenetics, part of Exact Sciences
Classification: Pathogenic for SLC6A19-related condition. Last evaluated: 2026-02-05. Review status: criteria provided, single submitter. Criteria: ACMG Guidelines, 2015. Collection method: clinical testing. Allele origin: germline.
Comment: The SLC6A19 c.1173+2T>G variant is predicted to disrupt the GT donor site and interfere with normal splicing. This variant has been reported in the compound heterozygous and homozygous states in individuals with Hartnup disorder (reported as IVS8 + 2G in Table 1, Seow et al. 2004. PubMed ID: 15286788; Kleta et al. 2004. PubMed ID: 15286787). This variant is reported in 0.068% of alleles in individuals of European (Finnish) descent in gnomAD. Variants that disrupt the consensus splice donor site in SLC6A19 are expected to be pathogenic. This variant is interpreted as pathogenic.

Labcorp Genetics (formerly Invitae), Labcorp
Classification: Pathogenic. Last evaluated: 2025-11-25. Review status: criteria provided, single submitter. Criteria: Invitae Variant Classification Sherloc (09022015). Collection method: clinical testing. Allele origin: germline.
Comment: This sequence change affects a donor splice site in intron 8 of the SLC6A19 gene. It is expected to disrupt RNA splicing. Variants that disrupt the donor or acceptor splice site typically lead to a loss of protein function (PMID: 16199547), and loss-of-function variants in SLC6A19 are known to be pathogenic (PMID: 15286787, 15286788). This variant is present in population databases (rs142979576, gnomAD 0.07%). Disruption of this splice site has been observed in individuals with Hartnup disorder (PMID: 15286787, 15286788). It has also been observed to segregate with disease in related individuals. ClinVar contains an entry for this variant (Variation ID: 449553). Algorithms developed to predict the effect of sequence changes on RNA splicing suggest that this variant may disrupt the consensus splice site. For these reasons, this variant has been classified as Pathogenic.

GeneDx
Classification: Pathogenic. Last evaluated: 2025-06-06. Review status: criteria provided, single submitter. Criteria: GeneDx Variant Classification Process June 2021. Collection method: clinical testing. Allele origin: germline. Affected: yes.
Comment: Observed in siblings with features of Hartnup disorder who also possessed a second SLC6A19 variant (PMID: 15286788); Canonical splice site variant predicted to result in a null allele in a gene for which loss of function is a known mechanism of disease; Also known as IVS8+2T>G; This variant is associated with the following publications: (PMID: 25525159, 25082825, 31589614, 31908951, 15286788, 33144682, 15286787, 18484095)

Blueprint Genetics
Classification: Pathogenic for SLC6A19-related disorders. Last evaluated: 2024-11-26. Review status: criteria provided, single submitter. Criteria: ACMG Guidelines, 2015. Collection method: clinical testing. Allele origin: germline. Affected: yes. Observed: 5 variant alleles.

Clinical Genetics Laboratory, Skane University Hospital Lund
Classification: Pathogenic. Last evaluated: 2024-03-06. Review status: criteria provided, single submitter. Criteria: ACMG Guidelines, 2015. Collection method: clinical testing. Allele origin: germline. Affected: yes.

Fulgent Genetics
Classification: Pathogenic for Neutral 1 amino acid transport defect. Last evaluated: 2024-01-24. Review status: criteria provided, single submitter. Criteria: ACMG Guidelines, 2015. Collection method: clinical testing. Allele origin: germline.

Women's Health and Genetics/Laboratory Corporation of America, LabCorp
Classification: Pathogenic for Neutral 1 amino acid transport defect. Last evaluated: 2023-04-14. Review status: criteria provided, single submitter. Criteria: LabCorp Variant Classification Summary - May 2015. Collection method: clinical testing. Allele origin: germline.
Comment: Variant summary: SLC6A19 c.1173+2T>G is located in a canonical splice-site and is predicted to affect mRNA splicing resulting in a significantly altered protein due to either exon skipping, shortening, or inclusion of intronic material. Several computational tools predict a significant impact on normal splicing: Four predict the variant abolishes the canonical 5' splicing donor site. However, these predictions have yet to be confirmed by functional studies. The variant allele was found at a frequency of 0.0003 in 249668 control chromosomes. This frequency does not allow conclusions about variant significance. c.1173+2T>G has been reported in the literature as a homozygous or compound heterozygous genotype in multiple individuals affected with Hartnup Disease (example, Kleta_2004, Azamov_2008). These data indicate that the variant is very likely to be associated with disease. To our knowledge, no experimental evidence demonstrating an impact on protein function has been reported. Four clinical diagnostic laboratories have submitted clinical-significance assessments for this variant to ClinVar after 2014 without evidence for independent evaluation. All laboratories classified the variant as pathogenic. Based on the evidence outlined above, the variant was classified as pathogenic.

Revvity Omics, Revvity
Classification: Pathogenic for Neutral 1 amino acid transport defect. Last evaluated: 2021-12-01. Review status: criteria provided, single submitter. Criteria: ACMG Guidelines, 2015. Collection method: clinical testing. Allele origin: germline.

OMIM
Classification: Pathogenic for HARTNUP DISORDER. Last evaluated: 2004-09-01. Review status: no assertion criteria provided. Collection method: literature only. Allele origin: germline. Not counted in ClinVar's aggregate classification.

Clinical Genetics DNA and cytogenetics Diagnostics Lab, Erasmus MC, Erasmus Medical Center
Classification: Pathogenic. Review status: no assertion criteria provided. Collection method: clinical testing. Allele origin: germline. Affected: yes. Study: VKGL Data-share Consensus. Not counted in ClinVar's aggregate classification.

Diagnostic Laboratory, Department of Genetics, University Medical Center Groningen
Classification: Pathogenic. Review status: no assertion criteria provided. Collection method: clinical testing. Allele origin: germline. Affected: yes. Study: VKGL Data-share Consensus. Not counted in ClinVar's aggregate classification.

Genome Diagnostics Laboratory, University Medical Center Utrecht
Classification: Pathogenic. Review status: no assertion criteria provided. Collection method: clinical testing. Allele origin: germline. Affected: yes. Study: VKGL Data-share Consensus. Not counted in ClinVar's aggregate classification.

Literature cited by the submitters: PubMed 16199547 (cited by Labcorp Genetics (formerly Invitae), Labcorp); PubMed 15286787 (cited by 3 submitters); PubMed 15286788 (cited by Labcorp Genetics (formerly Invitae), Labcorp and OMIM); PubMed 18484095 (cited by Women's Health and Genetics/Laboratory Corporation of America, LabCorp).